The following is an entry in ClinVar:

ClinVar aggregate classification (germline): Likely benign (1 of 4 stars; one submission).

gnomAD v4.1: 724 of 1,614,106 alleles (0.045%); highest among the groups gnomAD compares: South Asian, 0.67%; 6 homozygotes.

Submission:

CeGaT Center for Human Genetics Tuebingen
Classification: Likely benign. Last evaluated: 2025-07-01. Review status: criteria provided, single submitter. Criteria: CeGaT Center For Human Genetics Tuebingen Variant Classification Criteria Version 2. Collection method: clinical testing. Allele origin: germline. Affected: yes. Observed: 1 variant allele.
Comment: DNAH2: BP4, BP7

NM_020877.5(DNAH2):c.7323C>T (p.Leu2441=)

Gene: DNAH2 (dynein axonemal heavy chain 2; plus strand). Cytogenetic location: 17p13.1.
Variant type: single nucleotide variant.
Coding change: c.7323C>T on transcript NM_020877.5 (MANE Select); coding-DNA position 7323, C replaced by T.
Protein change: p.Leu2441=; no amino-acid change (leucine 2441 retained).
Molecular consequence: synonymous variant.
Genome position (GRCh38, 1-based): chr17:7,792,834, C>T. VCF-style: chr17-7792834-C-T. GRCh37 (hg19) VCF-style: chr17-7696152-C-T.
Identifiers: ClinVar variation 4083862 (VCV004083862.8).